The following is an entry in ClinVar:

NM_005591.4(MRE11):c.789C>G (p.Ile263Met)

Gene: MRE11 (MRE11 double strand break repair nuclease; minus strand). Cytogenetic location: 11q21.
Variant type: single nucleotide variant.
Coding change: c.789C>G on transcript NM_005591.4 (MANE Select); coding-DNA position 789, C replaced by G.
Protein change: p.Ile263Met; replaces isoleucine 263 with methionine.
Molecular consequence: missense variant.
Genome position (GRCh38, 1-based): chr11:94,471,630, G>C on the plus strand (C>G on the coding strand, the complement: MRE11 is on the minus strand). VCF-style: chr11-94471630-G-C. GRCh37 (hg19) VCF-style: chr11-94204796-G-C.
Other names: c.789C>G, p.Ile263Met (NM_001330347.2, NM_005590.4); short protein forms I263M.
Identifiers: ClinVar variation 186591 (VCV000186591.9), dbSNP rs762907103, ClinGen allele CA195259.
Genomic context (GRCh38, chr11:94,471,630, plus strand): 5'-TCACTTCTTTACAGCTTCTCCTGGGGAAAGAGAAGTAACCACTGAGCTTCCAGGTTGTGA[G>C]ATATAAAACAGCTGTTGTTCATTTTTGGTTGGAGCTATTTTACACTCATGTTCATGGCCC-3'
Protein context (NP_005582.1, residues 253-273): PTKNEQQLFY[Ile263Met]SQPGSSVVTS

ClinVar aggregate classification (germline): Uncertain significance. Review status: criteria provided, multiple submitters, no conflicts (2 of 4 stars). 2 submissions from 2 submitters: Uncertain significance (2). Last evaluated 2024-01-19.

Conditions:
Ataxia-telangiectasia-like disorder (ATLD). Identifiers: MedGen C1858391, MONDO:0011457.
Hereditary cancer-predisposing syndrome. Also called: Neoplastic Syndromes, Hereditary; Tumor predisposition; Hereditary Cancer Syndrome; Hereditary neoplastic syndrome. Identifiers: Orphanet 140162, MedGen C0027672, MeSH D009386, MONDO:0015356.

Allele frequency attached by ClinVar (database versions not stated): gnomAD exomes below 0.00001 and 0.00001; gnomAD 0.00001 and 0.00002; TOPMed 0.00001; ExAC 0.00002.
gnomAD v4.1: 5 of 1,612,648 alleles (0.00031%); highest among the groups gnomAD compares: East Asian, 0.011%; no homozygotes.

Submissions (2):

Labcorp Genetics (formerly Invitae), Labcorp
Classification: Uncertain significance for Ataxia-telangiectasia-like disorder. Last evaluated: 2024-01-19. Review status: criteria provided, single submitter. Criteria: Invitae Variant Classification Sherloc (09022015). Collection method: clinical testing. Allele origin: germline.
Comment: This sequence change replaces isoleucine, which is neutral and non-polar, with methionine, which is neutral and non-polar, at codon 263 of the MRE11 protein (p.Ile263Met). This variant is present in population databases (rs762907103, gnomAD 0.03%). This variant has not been reported in the literature in individuals affected with MRE11-related conditions. ClinVar contains an entry for this variant (Variation ID: 186591). An algorithm developed to predict the effect of missense changes on protein structure and function (PolyPhen-2) suggests that this variant is likely to be disruptive. In summary, the available evidence is currently insufficient to determine the role of this variant in disease. Therefore, it has been classified as a Variant of Uncertain Significance.

Ambry Genetics
Classification: Uncertain significance for Hereditary cancer-predisposing syndrome. Last evaluated: 2022-11-20. Review status: criteria provided, single submitter. Criteria: Ambry Variant Classification Scheme 2023. Collection method: clinical testing. Allele origin: germline.
Comment: The p.I263M variant (also known as c.789C>G), located in coding exon 7 of the MRE11A gene, results from a C to G substitution at nucleotide position 789. The isoleucine at codon 263 is replaced by methionine, an amino acid with highly similar properties. This amino acid position is poorly conserved in available vertebrate species. In addition, the in silico prediction for this alteration is inconclusive. Since supporting evidence is limited at this time, the clinical significance of this alteration remains unclear.